The following is an entry in ClinVar:

ClinVar aggregate classification (germline): Uncertain significance (1 of 4 stars; one submission).

Conditions:
Cardiovascular phenotype. Identifiers: MedGen CN230736.

Submission:

Ambry Genetics
Classification: Uncertain significance for Cardiovascular phenotype. Last evaluated: 2026-09-04. Review status: criteria provided, single submitter. Criteria: Ambry Variant Classification Scheme 2023. Collection method: clinical testing. Allele origin: germline.
Comment: The p.A15V variant (also known as c.44C>T), located in coding exon 2 of the TBX1 gene, results from a C to T substitution at nucleotide position 44. The alanine at codon 15 is replaced by valine, an amino acid with similar properties. This amino acid position is conserved. In addition, this alteration is predicted to be tolerated by in silico analysis. Based on the available evidence, the clinical significance of this variant remains unclear.

NM_001379200.1(TBX1):c.71C>T (p.Ala24Val)

Gene: TBX1 (T-box transcription factor 1; plus strand). Cytogenetic location: 22q11.21.
Variant type: single nucleotide variant.
Coding change: c.71C>T on transcript NM_001379200.1 (MANE Select); coding-DNA position 71, C replaced by T.
Protein change: p.Ala24Val; replaces alanine 24 with valine.
Molecular consequence: missense variant.
Genome position (GRCh38, 1-based): chr22:19,760,914, C>T. VCF-style: chr22-19760914-C-T. GRCh37 (hg19) VCF-style: chr22-19748437-C-T.
Other names: c.44C>T, p.Ala15Val (NM_005992.1, NM_080646.2, NM_080647.1); short protein forms A15V, A24V.
Identifiers: ClinVar variation 5030536 (VCV005030536.1).